The following is an entry in ClinVar:

NM_020437.5(ASPHD2):c.457G>T (p.Gly153Cys)

Gene: ASPHD2 (aspartate beta-hydroxylase domain containing 2; plus strand). Cytogenetic location: 22q12.1.
Variant type: single nucleotide variant.
Coding change: c.457G>T on transcript NM_020437.5 (MANE Select); coding-DNA position 457, G replaced by T.
Protein change: p.Gly153Cys; replaces glycine 153 with cysteine.
Molecular consequence: missense variant.
Genome position (GRCh38, 1-based): chr22:26,434,072, G>T. VCF-style: chr22-26434072-G-T. GRCh37 (hg19) VCF-style: chr22-26830038-G-T.
Other names: short protein forms G153C.
Identifiers: ClinVar variation 3235834 (VCV003235834.1), dbSNP rs2084775519, ClinGen allele CA411018677.
Genomic context (GRCh38, chr22:26,434,072, plus strand): 5'-TACGCCAAGCGCTACTCCTGGTCCGGCATGGGCCGCATCCACAAGGGCATCCGCGAGCAG[G>T]GCCGGTACCTCAACAGCCGGCCCTCCATCCAGAAGCCCGAGGTCTTCTTCCTGCCCGACC-3'
Protein context (NP_065170.2, residues 143-163): GRIHKGIREQ[Gly153Cys]RYLNSRPSIQ

ClinVar aggregate classification (germline): Uncertain significance (1 of 4 stars; one submission).

Submission:

Greenwood Genetic Center Diagnostic Laboratories, Greenwood Genetic Center
Classification: Uncertain significance. Last evaluated: 2024-01-12. Review status: criteria provided, single submitter. Criteria: ACMG Guidelines, 2015. Collection method: clinical testing. Allele origin: germline. Affected: yes.
Comment: Gene of Uncertain Significance